The following is an entry in ClinVar:

ClinVar aggregate classification (germline): Pathogenic (1 of 4 stars; one submission).

Conditions:
Alkaptonuria (AKU). Also called: Alkaptonuric ochronosis; HOMOGENTISIC ACID OXIDASE DEFICIENCY; Alcaptonuria; Homogentisic acidura. Identifiers: Orphanet 56, MedGen C0002066, MONDO:0008753, OMIM 203500.

Submission:

Labcorp Genetics (formerly Invitae), Labcorp
Classification: Pathogenic for Alkaptonuria. Last evaluated: 2020-09-19. Review status: criteria provided, single submitter. Criteria: Invitae Variant Classification Sherloc (09022015). Collection method: clinical testing. Allele origin: germline.
Comment: This sequence change creates a premature translational stop signal (p.Tyr62*) in the HGD gene. It is expected to result in an absent or disrupted protein product. This variant is not present in population databases (ExAC no frequency). This variant has not been reported in the literature in individuals with HGD-related conditions. Algorithms developed to predict the effect of sequence changes on RNA splicing suggest that this variant may create or strengthen a splice site, but this prediction has not been confirmed by published transcriptional studies. Loss-of-function variants in HGD are known to be pathogenic (PMID: 12501223, 19862842). For these reasons, this variant has been classified as Pathogenic.

Literature cited by the submitters: PubMed 12501223; PubMed 19862842.

NM_000187.4(HGD):c.186T>G (p.Tyr62Ter)

Gene: HGD (homogentisate 1,2-dioxygenase; minus strand). Cytogenetic location: 3q13.33.
Variant type: single nucleotide variant.
Coding change: c.186T>G on transcript NM_000187.4 (MANE Select); coding-DNA position 186, T replaced by G.
Protein change: p.Tyr62Ter; replaces tyrosine 62 with a stop codon.
Molecular consequence: nonsense.
Genome position (GRCh38, 1-based): chr3:120,670,523, A>C on the plus strand (T>G on the coding strand, the complement: HGD is on the minus strand). VCF-style: chr3-120670523-A-C. GRCh37 (hg19) VCF-style: chr3-120389370-A-C.
Other names: short protein forms Y62*.
Identifiers: ClinVar variation 1075699 (VCV001075699.4), dbSNP rs2107548853, ClinGen allele CA354081570.